The following is an entry in ClinVar:

ClinVar aggregate classification (germline): Pathogenic (1 of 4 stars; one submission).

Conditions:
Chromosome 2q32-q33 deletion syndrome (GLASS). Also called: 2q33.1 deletion syndrome; Glass syndrome. Identifiers: Orphanet 251019, MedGen C2676739, MONDO:0012864, OMIM 612313.

Submission:

Labcorp Genetics (formerly Invitae), Labcorp
Classification: Pathogenic for Chromosome 2q32-q33 deletion syndrome. Last evaluated: 2023-02-25. Review status: criteria provided, single submitter. Criteria: Invitae Variant Classification Sherloc (09022015). Collection method: clinical testing. Allele origin: germline.
Comment: This variant has not been reported in the literature in individuals affected with SATB2-related conditions. For these reasons, this variant has been classified as Pathogenic. This variant is not present in population databases (gnomAD no frequency). This sequence change creates a premature translational stop signal (p.Leu340Argfs*33) in the SATB2 gene. It is expected to result in an absent or disrupted protein product. Loss-of-function variants in SATB2 are known to be pathogenic (PMID: 25885067).

Literature cited by the submitters: PubMed 25885067.

NM_001172509.2(SATB2):c.1019del (p.Leu340fs)

Gene: SATB2 (SATB homeobox 2; minus strand). Cytogenetic location: 2q33.1.
Variant type: Deletion.
Coding change: c.1019del on transcript NM_001172509.2 (MANE Select); coding-DNA position 1019, one base deleted (T; older notation c.1019delT).
Protein change: p.Leu340fs; shifts the reading frame from leucine 340.
Molecular consequence: frameshift variant.
Genome position (GRCh38, 1-based): chr2:199,348,855, A deleted on the plus strand (T on the coding strand, the reverse complement: SATB2 is on the minus strand). VCF-style (leftmost placement, unchanged base first): chr2-199348854-CA-C. GRCh37 (hg19) VCF-style: chr2-200213577-CA-C.
Other names: c.1019del, p.Leu340fs (NM_001172517.1, NM_015265.4); short protein forms L340fs.
Identifiers: ClinVar variation 2840854 (VCV002840854.3), dbSNP rs2468896711, ClinGen allele CA2739279404.